The following is an entry in ClinVar:

NM_003383.5(VLDLR):c.1790C>T (p.Ala597Val)

Gene: VLDLR (very low density lipoprotein receptor; plus strand). Cytogenetic location: 9p24.2.
Variant type: single nucleotide variant.
Coding change: c.1790C>T on transcript NM_003383.5 (MANE Select); coding-DNA position 1790, C replaced by T.
Protein change: p.Ala597Val; replaces alanine 597 with valine.
Molecular consequence: missense variant.
Genome position (GRCh38, 1-based): chr9:2,647,560, C>T. VCF-style: chr9-2647560-C-T. GRCh37 (hg19) VCF-style: chr9-2647560-C-T.
Other names: c.1790C>T, p.Ala597Val (NM_001018056.3); c.1667C>T, p.Ala556Val (NM_001322225.2, NM_001322226.2); short protein forms A556V, A597V.
Identifiers: ClinVar variation 2575666 (VCV002575666.2), dbSNP rs369741873, ClinGen allele CA4964935.

ClinVar aggregate classification (germline): Conflicting classifications of pathogenicity. Review status: criteria provided, conflicting classifications (1 of 4 stars). 2 submissions from 2 submitters: Uncertain significance (1); Likely benign (1). Last evaluated 2024-09-11.

Allele frequency attached by ClinVar (database versions not stated): ExAC 0.00002; gnomAD 0.00006; TOPMed 0.00006; ESP Exome Variant Server 0.00015.
gnomAD v4.1: 39 of 1,613,930 alleles (0.0024%); highest among the groups gnomAD compares: Admixed American, 0.018%; no homozygotes.

Submissions (2):

Blueprint Genetics
Classification: Likely benign. Last evaluated: 2024-09-11. Review status: criteria provided, single submitter. Criteria: ACMG Guidelines, 2015. Collection method: clinical testing. Allele origin: germline.

GeneDx
Classification: Uncertain significance. Last evaluated: 2023-01-25. Review status: criteria provided, single submitter. Criteria: GeneDx Variant Classification Process June 2021. Collection method: clinical testing. Allele origin: germline. Affected: yes.
Comment: Not observed at significant frequency in large population cohorts (gnomAD); In silico analysis supports that this missense variant does not alter protein structure/function; Has not been previously published as pathogenic or benign to our knowledge